The following is an entry in ClinVar:

NM_014844.5(TECPR2):c.3549G>A (p.Ala1183=)

Gene: TECPR2 (tectonin beta-propeller repeat containing 2; plus strand). Cytogenetic location: 14q32.31.
Variant type: single nucleotide variant.
Coding change: c.3549G>A on transcript NM_014844.5 (MANE Select); coding-DNA position 3549, G replaced by A.
Protein change: p.Ala1183=; no amino-acid change (alanine 1183 retained).
Molecular consequence: synonymous variant.
Genome position (GRCh38, 1-based): chr14:102,452,536, G>A. VCF-style: chr14-102452536-G-A. GRCh37 (hg19) VCF-style: chr14-102918873-G-A.
Other names: c.3549G>A (NM_014844.4); c.3549G>A, p.Ala1183= (NM_001172631.3).
Identifiers: ClinVar variation 699570 (VCV000699570.38), dbSNP rs564868110, ClinGen allele CA7358276.

ClinVar aggregate classification (germline): Likely benign. Review status: criteria provided, multiple submitters, no conflicts (2 of 4 stars). 4 submissions from 4 submitters: Likely benign (2). 2 of the submissions do not count toward it. Last evaluated 2026-01-17.

Conditions:
TECPR2-related disorder. Also called: TECPR2-related condition.
Hereditary spastic paraplegia 49 (HSAN9). Also called: Spastic paraplegia 49, autosomal recessive; TECPR2-Related Hereditary Sensory and Autonomic Neuropathy with Intellectual Disability; NEUROPATHY, HEREDITARY SENSORY AND AUTONOMIC, TYPE IX, WITH DEVELOPMENTAL DELAY. Identifiers: Orphanet 320385, MedGen C5190860, MONDO:0014016, OMIM 615031.

Allele frequency attached by ClinVar (database versions not stated): gnomAD 0.00001 and 0.00002; gnomAD exomes 0.00001; TOPMed 0.00002; ExAC 0.00003; 1000 Genomes Project 30x 0.00016; 1000 Genomes Project 0.00020.
gnomAD v4.1: 18 of 1,611,670 alleles (0.0011%); highest among the groups gnomAD compares: African/African-American, 0.0027%; no homozygotes.

Submissions (4):

Labcorp Genetics (formerly Invitae), Labcorp
Classification: Likely benign for Hereditary spastic paraplegia 49. Last evaluated: 2026-01-17. Review status: criteria provided, single submitter. Criteria: Invitae Variant Classification Sherloc (09022015). Collection method: clinical testing. Allele origin: germline.

CeGaT Center for Human Genetics Tuebingen
Classification: Likely benign. Last evaluated: 2023-02-01. Review status: criteria provided, single submitter. Criteria: CeGaT Center For Human Genetics Tuebingen Variant Classification Criteria Version 2. Collection method: clinical testing. Allele origin: germline. Affected: yes. Observed: 1 variant allele.
Comment: TECPR2: BP4, BP7

Natera, Inc.
Classification: Likely benign for Autosomal recessive spastic paraplegia type 49. Last evaluated: 2020-03-05. Review status: no assertion criteria provided. Collection method: clinical testing. Allele origin: germline. Not counted in ClinVar's aggregate classification.

PreventionGenetics, part of Exact Sciences
Classification: Likely benign for TECPR2-related condition. Last evaluated: 2019-07-23. Review status: no assertion criteria provided. Collection method: clinical testing. Allele origin: germline. Not counted in ClinVar's aggregate classification.
Comment: This variant is classified as likely benign based on ACMG/AMP sequence variant interpretation guidelines (Richards et al. 2015 PMID: 25741868, with internal and published modifications).